The following is an entry in ClinVar:

NM_006231.4(POLE):c.2830G>A (p.Ala944Thr)

Gene: POLE (DNA polymerase epsilon, catalytic subunit; minus strand). Cytogenetic location: 12q24.33.
Variant type: single nucleotide variant.
Coding change: c.2830G>A on transcript NM_006231.4 (MANE Select); coding-DNA position 2830, G replaced by A.
Protein change: p.Ala944Thr; replaces alanine 944 with threonine.
Molecular consequence: missense variant.
Genome position (GRCh38, 1-based): chr12:132,661,561, C>T on the plus strand (G>A on the coding strand, the complement: POLE is on the minus strand). VCF-style: chr12-132661561-C-T. GRCh37 (hg19) VCF-style: chr12-133238147-C-T.
Other names: short protein forms A944T.
Identifiers: ClinVar variation 2839624 (VCV002839624.3), dbSNP rs1190451103, ClinGen allele CA387393652.

ClinVar aggregate classification (germline): Uncertain significance (1 of 4 stars; one submission).

Submission:

Labcorp Genetics (formerly Invitae), Labcorp
Classification: Uncertain significance. Last evaluated: 2023-11-24. Review status: criteria provided, single submitter. Criteria: Invitae Variant Classification Sherloc (09022015). Collection method: clinical testing. Allele origin: germline.
Comment: This sequence change replaces alanine, which is neutral and non-polar, with threonine, which is neutral and polar, at codon 944 of the POLE protein (p.Ala944Thr). This variant is not present in population databases (gnomAD no frequency). This variant has not been reported in the literature in individuals affected with POLE-related conditions. Advanced modeling of protein sequence and biophysical properties (such as structural, functional, and spatial information, amino acid conservation, physicochemical variation, residue mobility, and thermodynamic stability) performed at Invitae indicates that this missense variant is not expected to disrupt POLE protein function with a negative predictive value of 80%. In summary, the available evidence is currently insufficient to determine the role of this variant in disease. Therefore, it has been classified as a Variant of Uncertain Significance.